The following is an entry in ClinVar:

NM_021930.6(RINT1):c.617del (p.Cys206fs)

Gene: RINT1 (RAD50 interactor 1; plus strand). Cytogenetic location: 7q22.3.
Variant type: Deletion.
Coding change: c.617del on transcript NM_021930.6 (MANE Select); coding-DNA position 617, one base deleted (G; older notation c.617delG).
Protein change: p.Cys206fs; shifts the reading frame from cysteine 206.
Molecular consequence: frameshift variant. On other transcripts: 5 prime UTR variant (2), non-coding transcript variant (1), intron variant (1).
Genome position (GRCh38, 1-based): chr7:105,547,011, G deleted. VCF-style (leftmost placement, unchanged base first): chr7-105547010-TG-T. GRCh37 (hg19) VCF-style: chr7-105187457-TG-T.
Other names: c.617delG (NM_021930.4); c.383del, p.Cys128fs (NM_001346599.2); c.-403del (NM_001346600.2); c.-306del (NM_001346601.2); c.-27-3044del (NM_001346603.2); short protein forms C206fs, C128fs.
Identifiers: ClinVar variation 840950 (VCV000840950.9), dbSNP rs1790695219, ClinGen allele CA916082948.

ClinVar aggregate classification (germline): Conflicting classifications of pathogenicity. Review status: criteria provided, conflicting classifications (1 of 4 stars). 2 submissions from 2 submitters: Pathogenic (1); Uncertain significance (1). Last evaluated 2022-12-27.

Submissions (2):

Ambry Genetics
Classification: Uncertain significance. Last evaluated: 2022-12-27. Review status: criteria provided, single submitter. Criteria: Ambry Variant Classification Scheme 2023. Collection method: clinical testing. Allele origin: germline.
Comment: The c.617delG variant, located in coding exon 5 of the RINT1 gene, results from a deletion of one nucleotide at nucleotide position 617, causing a translational frameshift with a predicted alternate stop codon (p.C206Lfs*8). This alteration is expected to result in loss of function by premature protein truncation or nonsense-mediated mRNA decay. However, the evidence for this gene-disease relationship is limited; therefore, the clinical significance of this alteration is unclear.

Labcorp Genetics (formerly Invitae), Labcorp
Classification: Pathogenic. Last evaluated: 2022-10-03. Review status: criteria provided, single submitter. Criteria: Invitae Variant Classification Sherloc (09022015). Collection method: clinical testing. Allele origin: germline.
Comment: This variant has not been reported in the literature in individuals affected with RINT1-related conditions. For these reasons, this variant has been classified as Pathogenic. ClinVar contains an entry for this variant (Variation ID: 840950). This variant is not present in population databases (gnomAD no frequency). This sequence change creates a premature translational stop signal (p.Cys206Leufs*8) in the RINT1 gene. It is expected to result in an absent or disrupted protein product. Loss-of-function variants in RINT1 are known to be pathogenic (PMID: 31204009).

Literature cited by the submitters: PubMed 31204009 (cited by Labcorp Genetics (formerly Invitae), Labcorp).